The following is an entry in ClinVar:

ClinVar aggregate classification (germline): Pathogenic. Review status: criteria provided, multiple submitters, no conflicts (2 of 4 stars). 3 submissions from 3 submitters: Pathogenic (2). 1 of the submissions does not count toward it. Last evaluated 2024-05-14.

Conditions:
Kartagener syndrome (CILD1). Also called: CILIARY DYSKINESIA, PRIMARY, 1; CILIARY DYSKINESIA, PRIMARY, 1, WITH OR WITHOUT SITUS INVERSUS; IMMOTILE CILIA SYNDROME; POLYNESIAN BRONCHIECTASIS; SIEWERT SYNDROME; Dextrocardia bronchiectasis and sinusitis. Identifiers: Orphanet 244, MedGen C4551906, MONDO:0009484, OMIM 244400.
Primary ciliary dyskinesia. Also called: Ciliary dyskinesia. Identifiers: Orphanet 244, MedGen C0008780, MONDO:0016575, HP:0012265.
Primary ciliary dyskinesia 3. Identifiers: Orphanet 244, MedGen C1837618, MONDO:0012085, OMIM 608644.

Submissions (3):

Myriad Genetics, Inc.
Classification: Pathogenic for Primary ciliary dyskinesia 3. Last evaluated: 2024-05-14. Review status: criteria provided, single submitter. Criteria: Myriad Autosomal Dominant, Autosomal Recessive and X-Linked Classification Criteria (2023). Collection method: clinical testing. Allele origin: unknown.
Comment: NM_001369.2(DNAH5):c.4530delG(N1511Mfs*6) is expected to be pathogenic in the context of primary ciliary dyskinesia, DNAH5-related. This variant is predicted to lead to an abnormal or absent protein product due to the creation of a premature termination codon in DNAH5, a gene where loss-of-function variants are known to be pathogenic. Please note: this variant was assessed in the context of healthy population screening.

Labcorp Genetics (formerly Invitae), Labcorp
Classification: Pathogenic for Primary ciliary dyskinesia. Last evaluated: 2023-11-17. Review status: criteria provided, single submitter. Criteria: Invitae Variant Classification Sherloc (09022015). Collection method: clinical testing. Allele origin: germline.
Comment: This sequence change creates a premature translational stop signal (p.Asn1511Metfs*6) in the DNAH5 gene. It is expected to result in an absent or disrupted protein product. Loss-of-function variants in DNAH5 are known to be pathogenic (PMID: 11788826, 16627867). This variant is not present in population databases (gnomAD no frequency). This premature translational stop signal has been observed in individual(s) with DNAH5-related conditions (PMID: 31443223). ClinVar contains an entry for this variant (Variation ID: 488403). For these reasons, this variant has been classified as Pathogenic.

Laboratory of Cell Biology, Institute of Biomedical Sciences Abel Salazar University of Porto
Classification: Likely pathogenic for Kartagener syndrome. Review status: no assertion criteria provided. Collection method: research. Allele origin: unknown. Inheritance: Autosomal recessive inheritance. Affected: yes. Observed: 1 variant allele, 1 compound heterozygote. Not counted in ClinVar's aggregate classification.
Comment: We interpret as likely compound heterozygous since we found another potential pathogenic variant in the same gene (also submitted to ClinVar: NM_001369.2:c.6000C>A)

Literature cited by the submitters: PubMed 11788826 (cited by Labcorp Genetics (formerly Invitae), Labcorp); PubMed 16627867 (cited by Labcorp Genetics (formerly Invitae), Labcorp); PubMed 31443223 (cited by Labcorp Genetics (formerly Invitae), Labcorp).

NM_001369.3(DNAH5):c.4530del (p.Asn1511fs)

Genes: DNAH5 (dynein axonemal heavy chain 5; minus strand), DNAH5-AS1 (DNAH5 antisense RNA 1; plus strand). Cytogenetic location: 5p15.2.
Variant type: Deletion.
Coding change: c.4530del on transcript NM_001369.3 (MANE Select); coding-DNA position 4530, one base deleted (G; older notation c.4530delG).
Protein change: p.Asn1511fs; shifts the reading frame from asparagine 1511.
Molecular consequence: frameshift variant.
Genome position (GRCh38, 1-based): chr5:13,864,463, C deleted on the plus strand (G on the coding strand, the reverse complement: DNAH5 is on the minus strand); the first of 4 consecutive C bases (chr5:13,864,463-13,864,466); deleting any one gives the same sequence. VCF-style (leftmost placement, unchanged base first): chr5-13864462-TC-T. GRCh37 (hg19) VCF-style: chr5-13864571-TC-T.
Other names: c.4530delG (NM_001369.2); short protein forms N1511fs.
Identifiers: ClinVar variation 488403 (VCV000488403.7), dbSNP rs1554082275, ClinGen allele CA658683382.